The following is an entry in ClinVar:

NM_001002294.3(FMO3):c.882T>A (p.Cys294Ter)

Gene: FMO3 (flavin containing dimethylaniline monoxygenase 3; plus strand). Cytogenetic location: 1q24.3.
Variant type: single nucleotide variant.
Coding change: c.882T>A on transcript NM_001002294.3 (MANE Select); coding-DNA position 882, T replaced by A.
Protein change: p.Cys294Ter; replaces cysteine 294 with a stop codon.
Molecular consequence: nonsense.
Genome position (GRCh38, 1-based): chr1:171,114,061, T>A. VCF-style: chr1-171114061-T-A. GRCh37 (hg19) VCF-style: chr1-171083201-T-A.
Other names: c.822T>A, p.Cys274Ter (NM_001319173.2); c.693T>A, p.Cys231Ter (NM_001319174.2); c.882T>A, p.Cys294Ter (NM_006894.6); short protein forms C231*, C274*, C294*.
Identifiers: ClinVar variation 5014902 (VCV005014902.1).

ClinVar aggregate classification (germline): Pathogenic (1 of 4 stars; one submission).

Conditions:
Trimethylaminuria (TMAU). Also called: FISH-ODOR SYNDROME; Fish malodor syndrome; Stale fish syndrome; TMAuria; Primary Trimethylaminuria. Identifiers: MedGen C0342739, MONDO:0011182, OMIM 602079, HP:0003614. Disease mechanism: loss of function.

Submission:

Myriad Genetics, Inc.
Classification: Pathogenic for Trimethylaminuria. Last evaluated: 2025-08-23. Review status: criteria provided, single submitter. Criteria: Myriad Autosomal Dominant, Autosomal Recessive and X-Linked Classification Criteria (2023). Collection method: clinical testing. Allele origin: unknown.
Comment: NM_001002294.2(FMO3):c.882T>A(C294*) is expected to be pathogenic in the context of primary trimethylaminuria. This variant is predicted to lead to an abnormal or absent protein product due to the creation of a premature termination codon in FMO3, a gene where loss-of-function variants are known to be pathogenic. Please note: this variant was assessed in the context of healthy population screening.